The following is an entry in ClinVar:

NM_198253.3(TERT):c.858G>C (p.Glu286Asp)

Gene: TERT (telomerase reverse transcriptase; minus strand). Cytogenetic location: 5p15.33.
Variant type: single nucleotide variant.
Coding change: c.858G>C on transcript NM_198253.3 (MANE Select); coding-DNA position 858, G replaced by C.
Protein change: p.Glu286Asp; replaces glutamic acid 286 with aspartic acid.
Molecular consequence: missense variant. On other transcripts: non-coding transcript variant (2).
Genome position (GRCh38, 1-based): chr5:1,294,028, C>G on the plus strand (G>C on the coding strand, the complement: TERT is on the minus strand). VCF-style: chr5-1294028-C-G. GRCh37 (hg19) VCF-style: chr5-1294143-C-G.
Other names: c.858G>C, p.Glu286Asp (NM_001193376.3, NM_003219.1); short protein forms E286D.
Identifiers: ClinVar variation 3238488 (VCV003238488.1), dbSNP rs1751195245.
Genomic context (GRCh38, chr5:1,294,028, plus strand): 5'-GCCCGCGTGGTGCTGGCGGCCCACGGATGGGTGGGAGTGGCGCGTGCCAGAGAGCGCACC[C>G]TCCAAAGAGGTGGCTTCTTCGGCGGGTCTGGCAGGTGACACCACACAGAAACCACGGTCA-3'
Protein context (NP_937983.2, residues 276-296): ARPAEEATSL[Glu286Asp]GALSGTRHSH

ClinVar aggregate classification (germline): Uncertain significance (1 of 4 stars; one submission).

Conditions:
Dyskeratosis congenita. Identifiers: Orphanet 1775, MedGen C0265965, MONDO:0015780.

Submission:

Ambry Genetics
Classification: Uncertain significance for Dyskeratosis congenita. Last evaluated: 2023-06-30. Review status: criteria provided, single submitter. Criteria: Ambry Variant Classification Scheme 2023. Collection method: clinical testing. Allele origin: germline.
Comment: The p.E286D variant (also known as c.858G>C), located in coding exon 2 of the TERT gene, results from a G to C substitution at nucleotide position 858. The glutamic acid at codon 286 is replaced by aspartic acid, an amino acid with highly similar properties. This amino acid position is conserved. In addition, this alteration is predicted to be tolerated by in silico analysis. Since supporting evidence is limited at this time, the clinical significance of this alteration remains unclear.